The following is an entry in ClinVar:

ClinVar aggregate classification (germline): Uncertain significance. Review status: criteria provided, multiple submitters, no conflicts (2 of 4 stars). 3 submissions from 3 submitters: Uncertain significance (3). Last evaluated 2023-12-28.

Conditions:
Inborn genetic diseases. Identifiers: MedGen C0950123, MeSH D030342.
Developmental and epileptic encephalopathy, 42 (DEE42A). Also called: DEVELOPMENTAL AND EPILEPTIC ENCEPHALOPATHY 42A; EPILEPTIC ENCEPHALOPATHY, EARLY INFANTILE, 42A; Epileptic encephalopathy, early infantile, 42. Identifiers: MedGen C4310716, MONDO:0014917, OMIM 617106.
Episodic ataxia type 2 (EA2). Also called: ATAXIA, EPISODIC, WITH NYSTAGMUS; ATAXIA, FAMILIAL PAROXYSMAL; CEREBELLAR ATAXIA, PAROXYSMAL, ACETAZOLAMIDE-RESPONSIVE; ACETAZOLAMIDE-RESPONSIVE HEREDITARY PAROXYSMAL CEREBELLAR ATAXIA; CEREBELLOPATHY, HEREDITARY PAROXYSMAL; EPISODIC ATAXIA, NYSTAGMUS-ASSOCIATED. Identifiers: Orphanet 97, MedGen C1720416, MONDO:0007163, OMIM 108500.

Allele frequency attached by ClinVar (database versions not stated): gnomAD exomes 0.00002; gnomAD 0.00001.
gnomAD v4.1: 9 of 1,537,196 alleles (0.00059%); highest among the groups gnomAD compares: Non-Finnish European, 0.0007%; no homozygotes.

Submissions (3):

Labcorp Genetics (formerly Invitae), Labcorp
Classification: Uncertain significance for Developmental and epileptic encephalopathy, 42; Episodic ataxia type 2. Last evaluated: 2023-12-28. Review status: criteria provided, single submitter. Criteria: Invitae Variant Classification Sherloc (09022015). Collection method: clinical testing. Allele origin: germline.
Comment: This sequence change replaces methionine, which is neutral and non-polar, with isoleucine, which is neutral and non-polar, at codon 2184 of the CACNA1A protein (p.Met2184Ile). This variant is present in population databases (no rsID available, gnomAD 0.002%). This variant has not been reported in the literature in individuals affected with CACNA1A-related conditions. ClinVar contains an entry for this variant (Variation ID: 951877). Advanced modeling of protein sequence and biophysical properties (such as structural, functional, and spatial information, amino acid conservation, physicochemical variation, residue mobility, and thermodynamic stability) performed at Invitae indicates that this missense variant is not expected to disrupt CACNA1A protein function with a negative predictive value of 95%. In summary, the available evidence is currently insufficient to determine the role of this variant in disease. Therefore, it has been classified as a Variant of Uncertain Significance.

GeneDx
Classification: Uncertain significance. Last evaluated: 2022-06-08. Review status: criteria provided, single submitter. Criteria: GeneDx Variant Classification Process June 2021. Collection method: clinical testing. Allele origin: germline. Affected: yes.
Comment: Not observed at significant frequency in large population cohorts (gnomAD); In silico analysis supports that this missense variant does not alter protein structure/function; Has not been previously published as pathogenic or benign to our knowledge

Ambry Genetics
Classification: Uncertain significance for Inborn genetic diseases. Last evaluated: 2022-02-10. Review status: criteria provided, single submitter. Criteria: Ambry Variant Classification Scheme 2023. Collection method: clinical testing. Allele origin: germline.

NM_001127222.2(CACNA1A):c.6549G>A (p.Met2183Ile)

Gene: CACNA1A (calcium voltage-gated channel subunit alpha1 A; minus strand). Cytogenetic location: 19p13.13.
Variant type: single nucleotide variant.
Coding change: c.6549G>A on transcript NM_001127222.2 (MANE Select); coding-DNA position 6549, G replaced by A.
Protein change: p.Met2183Ile; replaces methionine 2183 with isoleucine.
Molecular consequence: missense variant.
Genome position (GRCh38, 1-based): chr19:13,208,987, C>T on the plus strand (G>A on the coding strand, the complement: CACNA1A is on the minus strand). VCF-style: chr19-13208987-C-T. GRCh37 (hg19) VCF-style: chr19-13319801-C-T.
Other names: c.6567G>A, p.Met2189Ile (NM_000068.4, NM_023035.3); c.6552G>A, p.Met2184Ile (NM_001127221.2); c.6558G>A, p.Met2186Ile (NM_001174080.2); short protein forms M2183I, M2184I, M2186I, M2189I.
Identifiers: ClinVar variation 951877 (VCV000951877.12), dbSNP rs1335828021, ClinGen allele CA404330652.